The following is an entry in ClinVar:

NM_001267550.2(TTN):c.58747C>G (p.Pro19583Ala)

Genes: TTN (titin; minus strand), TTN-AS1 (TTN antisense RNA 1; plus strand). Cytogenetic location: 2q31.2.
Variant type: single nucleotide variant.
Coding change: c.58747C>G on transcript NM_001267550.2 (MANE Select); coding-DNA position 58747, C replaced by G.
Protein change: p.Pro19583Ala; replaces proline 19583 with alanine.
Molecular consequence: missense variant.
Genome position (GRCh38, 1-based): chr2:178,593,461, G>C on the plus strand (C>G on the coding strand, the complement: TTN is on the minus strand). VCF-style: chr2-178593461-G-C. GRCh37 (hg19) VCF-style: chr2-179458188-G-C.
Other names: c.53824C>G, p.Pro17942Ala (NM_001256850.1); c.31552C>G, p.Pro10518Ala (NM_003319.4); c.51043C>G, p.Pro17015Ala (NM_133378.4); c.31927C>G, p.Pro10643Ala (NM_133432.3); c.32128C>G, p.Pro10710Ala (NM_133437.4); short protein forms P10518A, P10643A, P10710A, P17015A, P17942A, P19583A.
Identifiers: ClinVar variation 1254661 (VCV001254661.4), dbSNP rs758600822, ClinGen allele CA1992784.

ClinVar aggregate classification (germline): Conflicting classifications of pathogenicity. Review status: criteria provided, conflicting classifications (1 of 4 stars). 3 submissions from 3 submitters: Uncertain significance (2); Likely benign (1). Last evaluated 2025-04-24.

Allele frequency attached by ClinVar (database versions not stated): gnomAD exomes 0.00002; ExAC 0.00001; TOPMed 0.00003; gnomAD 0.00004.
gnomAD v4.1: 35 of 1,610,812 alleles (0.0022%); highest among the groups gnomAD compares: African/African-American, 0.004%; no homozygotes.

Submissions (3):

Revvity Omics, Revvity
Classification: Uncertain significance. Last evaluated: 2025-04-24. Review status: criteria provided, single submitter. Criteria: ACMG Guidelines, 2015. Collection method: clinical testing. Allele origin: germline.

Molecular Diagnostic Laboratory for Inherited Cardiovascular Disease, Montreal Heart Institute
Classification: Likely benign. Last evaluated: 2025-04-09. Review status: criteria provided, single submitter. Criteria: ACMG Guidelines, 2015. Collection method: clinical testing. Allele origin: germline. Affected: no.

GeneDx
Classification: Uncertain significance. Last evaluated: 2021-08-13. Review status: criteria provided, single submitter. Criteria: GeneDx Variant Classification Process June 2021. Collection method: clinical testing. Allele origin: germline. Affected: yes.
Comment: Not observed at significant frequency in large population cohorts (Lek et al., 2016); Missense variant in a gene in which most reported pathogenic variants are truncating/loss-of-function; Has not been previously published as pathogenic or benign to our knowledge; Located in the A-band of the titin protein, where the majority of pathogenic truncating variants have been reported